The following is an entry in ClinVar:

ClinVar aggregate classification (germline): Uncertain significance (1 of 4 stars; one submission).

Conditions:
Epilepsy, familial focal, with variable foci 3 (FFEVF3). Identifiers: MedGen C4310708, MONDO:0014925, OMIM 617118.

Allele frequency attached by ClinVar (database versions not stated): gnomAD exomes below 0.00001.
gnomAD v4.1: 2 of 1,612,026 alleles (0.00012%); highest among the groups gnomAD compares: Non-Finnish European, 0.00017%; no homozygotes.

Submission:

Labcorp Genetics (formerly Invitae), Labcorp
Classification: Uncertain significance for Epilepsy, familial focal, with variable foci 3. Last evaluated: 2023-07-13. Review status: criteria provided, single submitter. Criteria: Invitae Variant Classification Sherloc (09022015). Collection method: clinical testing. Allele origin: germline.
Comment: Advanced modeling of protein sequence and biophysical properties (such as structural, functional, and spatial information, amino acid conservation, physicochemical variation, residue mobility, and thermodynamic stability) performed at Invitae indicates that this missense variant is not expected to disrupt NPRL3 protein function. This variant has not been reported in the literature in individuals affected with NPRL3-related conditions. In summary, the available evidence is currently insufficient to determine the role of this variant in disease. Therefore, it has been classified as a Variant of Uncertain Significance. This sequence change replaces methionine, which is neutral and non-polar, with threonine, which is neutral and polar, at codon 79 of the NPRL3 protein (p.Met79Thr). This variant is not present in population databases (gnomAD no frequency).

NM_001077350.3(NPRL3):c.236T>C (p.Met79Thr)

Genes: HBA-LCR (alpha-globin locus control region; plus strand), NPRL3 (NPR3 like, GATOR1 complex subunit; minus strand). Cytogenetic location: 16p13.3.
Variant type: single nucleotide variant.
Coding change: c.236T>C on transcript NM_001077350.3 (MANE Select); coding-DNA position 236, T replaced by C.
Protein change: p.Met79Thr; replaces methionine 79 with threonine.
Molecular consequence: missense variant. On other transcripts: initiator codon variant (1), intron variant (1).
Genome position (GRCh38, 1-based): chr16:119,208, A>G on the plus strand (T>C on the coding strand, the complement: NPRL3 is on the minus strand). VCF-style: chr16-119208-A-G. GRCh37 (hg19) VCF-style: chr16-169207-A-G.
Other names: c.2T>C, p.Met1Thr (NM_001243247.2); c.236T>C, p.Met79Thr (NM_001243248.2, NM_001243249.2); c.-144-6433T>C (NM_001039476.3); short protein forms M79T, M1T.
Identifiers: ClinVar variation 2743082 (VCV002743082.3), dbSNP rs2542869878, ClinGen allele CA393995467.